The following is an entry in ClinVar:

ClinVar aggregate classification (germline): Uncertain significance (1 of 4 stars; one submission).

Submission:

Labcorp Genetics (formerly Invitae), Labcorp
Classification: Uncertain significance. Last evaluated: 2023-08-05. Review status: criteria provided, single submitter. Criteria: Invitae Variant Classification Sherloc (09022015). Collection method: clinical testing. Allele origin: germline.
Comment: This variant is not present in population databases (gnomAD no frequency). In summary, the available evidence is currently insufficient to determine the role of this variant in disease. Therefore, it has been classified as a Variant of Uncertain Significance. Advanced modeling of protein sequence and biophysical properties (such as structural, functional, and spatial information, amino acid conservation, physicochemical variation, residue mobility, and thermodynamic stability) performed at Invitae indicates that this missense variant is not expected to disrupt LOX protein function. This variant has not been reported in the literature in individuals affected with LOX-related conditions. This sequence change replaces glutamine, which is neutral and polar, with leucine, which is neutral and non-polar, at codon 223 of the LOX protein (p.Gln223Leu).

NM_002317.7(LOX):c.668A>T (p.Gln223Leu)

Genes: LOX (lysyl oxidase; minus strand), SRFBP1 (serum response factor binding protein 1; plus strand). Cytogenetic location: 5q23.1.
Variant type: single nucleotide variant.
Coding change: c.668A>T on transcript NM_002317.7 (MANE Select); coding-DNA position 668, A replaced by T.
Protein change: p.Gln223Leu; replaces glutamine 223 with leucine.
Molecular consequence: missense variant. On other transcripts: 5 prime UTR variant (1), intron variant (1).
Genome position (GRCh38, 1-based): chr5:122,076,965, T>A on the plus strand (A>T on the coding strand, the complement: LOX is on the minus strand). VCF-style: chr5-122076965-T-A. GRCh37 (hg19) VCF-style: chr5-121412660-T-A.
Other names: c.-23A>T (NM_001178102.2); c.-152+127A>T (NM_001317073.1); short protein forms Q223L.
Identifiers: ClinVar variation 2750556 (VCV002750556.3), dbSNP rs1312701230, ClinGen allele CA360875131.